The following is an entry in ClinVar:

NM_147127.5(EVC2):c.1470G>A (p.Arg490=)

Genes: EVC2 (EvC ciliary complex subunit 2; minus strand), LOC126806961 (BRD4-independent group 4 enhancer GRCh37_chr4:5641443-5642642; plus strand). Cytogenetic location: 4p16.2.
Variant type: single nucleotide variant.
Coding change: c.1470G>A on transcript NM_147127.5 (MANE Select); coding-DNA position 1470, G replaced by A.
Protein change: p.Arg490=; no amino-acid change (arginine 490 retained).
Molecular consequence: synonymous variant.
Genome position (GRCh38, 1-based): chr4:5,640,514, C>T on the plus strand (G>A on the coding strand, the complement: EVC2 is on the minus strand). VCF-style: chr4-5640514-C-T. GRCh37 (hg19) VCF-style: chr4-5642241-C-T.
Other names: c.1230G>A, p.Arg410= (NM_001166136.2).
Identifiers: ClinVar variation 2920907 (VCV002920907.1), dbSNP rs2475436938, ClinGen allele CA438366473.

ClinVar aggregate classification (germline): Uncertain significance (1 of 4 stars; one submission).

Submission:

ARUP Laboratories, Molecular Genetics and Genomics, ARUP Laboratories
Classification: Uncertain significance. Last evaluated: 2023-05-30. Review status: criteria provided, single submitter. Criteria: ARUP Molecular Germline Variant Investigation Process 2024. Collection method: clinical testing. Allele origin: germline.
Comment: The EVC2 c.1470G>A; p.Arg490= variant, to our knowledge, is not reported in the medical literature or gene specific databases. This variant is also absent from the Genome Aggregation Database, indicating it is not a common polymorphism. This is a synonymous variant at the last nucleotide of exon 10, and computational analyses (Alamut Visual Plus v.1.5.1) predict that this variant may impact splicing by weakening the nearby canonical donor splice site. However, given the lack of clinical and functional data, the significance of this variant is uncertain at this time.